The following is an entry in ClinVar:

ClinVar aggregate classification (germline): Uncertain significance (1 of 4 stars; one submission).

gnomAD v4.1: 4 of 1,410,346 alleles (0.00028%); highest among the groups gnomAD compares: Admixed American, 0.0063%; no homozygotes.

Submission:

Labcorp Genetics (formerly Invitae), Labcorp
Classification: Uncertain significance. Last evaluated: 2022-08-15. Review status: criteria provided, single submitter. Criteria: Invitae Variant Classification Sherloc (09022015). Collection method: clinical testing. Allele origin: germline.
Comment: In summary, the available evidence is currently insufficient to determine the role of this variant in disease. Therefore, it has been classified as a Variant of Uncertain Significance. Algorithms developed to predict the effect of missense changes on protein structure and function (SIFT, PolyPhen-2, Align-GVGD) all suggest that this variant is likely to be disruptive. ClinVar contains an entry for this variant (Variation ID: 1053125). This variant has not been reported in the literature in individuals affected with HMX1-related conditions. This variant is not present in population databases (gnomAD no frequency). This sequence change replaces proline, which is neutral and non-polar, with alanine, which is neutral and non-polar, at codon 138 of the HMX1 protein (p.Pro138Ala).

NM_018942.3(HMX1):c.412C>G (p.Pro138Ala)

Gene: HMX1 (H6 family homeobox 1; minus strand). Cytogenetic location: 4p16.1.
Variant type: single nucleotide variant.
Coding change: c.412C>G on transcript NM_018942.3 (MANE Select); coding-DNA position 412, C replaced by G.
Protein change: p.Pro138Ala; replaces proline 138 with alanine.
Molecular consequence: missense variant. On other transcripts: intron variant (1).
Genome position (GRCh38, 1-based): chr4:8,868,328, G>C on the plus strand (C>G on the coding strand, the complement: HMX1 is on the minus strand). VCF-style: chr4-8868328-G-C. GRCh37 (hg19) VCF-style: chr4-8870054-G-C.
Other names: c.394+2893C>G (NM_001306142.2); short protein forms P138A.
Identifiers: ClinVar variation 1053125 (VCV001053125.9), dbSNP rs1348264472, ClinGen allele CA356278668.
Genomic context (GRCh38, chr4:8,868,328, plus strand): 5'-CCGGCCCGGGGCCTCGCGGCCAGGCGCCCTCCGCACGGCCCATCTCCTCGCCCGTCTCCG[G>C]TGAGTCCCGGTCGCTGGCTGCAGGGGAGAGAGGGCACCACCGTTGGTTCTAGGGCACTGA-3'
Protein context (NP_061815.2, residues 128-148): LSPDTSDRDS[Pro138Ala]ETGEEMGRAE